The following is an entry in ClinVar:

ClinVar aggregate classification (germline): Likely pathogenic (1 of 4 stars; one submission).

Conditions:
Noonan syndrome 10 (NS10). Identifiers: Orphanet 648, MedGen C4225280, MONDO:0014693, OMIM 616564.
LZTR1-related schwannomatosis. Also called: Schwannomatosis-2, susceptibility to; Schwannomatosis 2. Identifiers: Orphanet 93921, MedGen C3810283, MONDO:0014299, OMIM 615670.
Noonan syndrome 2 (NS2). Identifiers: Orphanet 648, MedGen C1854469, MONDO:0011531, OMIM 605275.

Submission:

Juno Genomics, Hangzhou Juno Genomics, Inc
Classification: Likely pathogenic for LZTR1-related schwannomatosis; Noonan syndrome 10; Noonan syndrome 2. Review status: criteria provided, single submitter. Criteria: ACMG Guidelines, 2015. Collection method: clinical testing. Allele origin: germline.
Comment: Null variant in a gene where loss of function (LOF) is a known mechanism of disease.;Absent from controls (or at extremely low frequency if recessive) in Genome Aggregation Database.

NM_006767.4(LZTR1):c.1456del (p.Glu486fs)

Gene: LZTR1 (leucine zipper like post translational regulator 1; plus strand). Cytogenetic location: 22q11.21.
Variant type: Deletion.
Coding change: c.1456del on transcript NM_006767.4 (MANE Select); coding-DNA position 1456, one base deleted (G; older notation c.1456delG).
Protein change: p.Glu486fs; shifts the reading frame from glutamic acid 486.
Molecular consequence: frameshift variant.
Genome position (GRCh38, 1-based): chr22:20,994,110, G deleted; the last of 2 consecutive G bases (chr22:20,994,109-20,994,110); deleting either gives the same sequence. VCF-style (leftmost placement, unchanged base first): chr22-20994108-TG-T. GRCh37 (hg19) VCF-style: chr22-21348397-TG-T.
Other names: short protein forms E486fs.
Identifiers: ClinVar variation 5006458 (VCV005006458.2).